The following is an entry in ClinVar:

NM_000358.3(TGFBI):c.1501C>A (p.Pro501Thr)

Gene: TGFBI (transforming growth factor beta induced; plus strand). Cytogenetic location: 5q31.1.
Variant type: single nucleotide variant.
Coding change: c.1501C>A on transcript NM_000358.3 (MANE Select); coding-DNA position 1501, C replaced by A.
Protein change: p.Pro501Thr; replaces proline 501 with threonine.
Molecular consequence: missense variant.
Genome position (GRCh38, 1-based): chr5:136,055,770, C>A. VCF-style: chr5-136055770-C-A. GRCh37 (hg19) VCF-style: chr5-135391459-C-A.
Other names: short protein forms P501T.
Identifiers: ClinVar variation 7871 (VCV000007871.17), dbSNP rs121909212, ClinGen allele CA119123.
Genomic context (GRCh38, chr5:136,055,770, plus strand): 5'-GCCCACGACAAGAGGGGGAGGTACGGGACCCTGTTCACGATGGACCGGGTGCTGACCCCC[C>A]CAATGGGGACTGTCATGGATGTCCTGAAGGGAGACAATCGCTTTAGGTAATTAGTTCCAT-3'
Protein context (NP_000349.1, residues 491-511): LFTMDRVLTP[Pro501Thr]MGTVMDVLKG

ClinVar aggregate classification (germline): Conflicting classifications of pathogenicity. Review status: criteria provided, conflicting classifications (1 of 4 stars). 8 submissions from 8 submitters: Likely pathogenic (2); Uncertain significance (1); Likely benign (2). 3 of the submissions do not count toward it. Last evaluated 2026-08-01.

Conditions:
Corneal dystrophy. Identifiers: Orphanet 34533, MedGen C0010036, MONDO:0018102, HP:0001131.
Corneal dystrophy, lattice type 3A (CDL3A). Also called: Lattice corneal dystrophy type III A. Identifiers: Orphanet 98964, MedGen C1837974, MONDO:0012044, OMIM 608471.
Type 2 diabetes mellitus. Also called: Type II diabetes mellitus. Identifiers: MedGen C0011860, MeSH D003924, MONDO:0005148, OMIM 125853, HP:0005978.

Allele frequency attached by ClinVar (database versions not stated): TOPMed 0.00045; 1000 Genomes Project 0.00040; 1000 Genomes Project 30x 0.00031.
gnomAD v4.1: 425 of 1,612,638 alleles (0.026%); highest among the groups gnomAD compares: East Asian, 0.72%; 2 homozygotes.

Submissions (8):

CeGaT Center for Human Genetics Tuebingen
Classification: Likely benign. Last evaluated: 2026-08-01. Review status: criteria provided, single submitter. Criteria: CeGaT Center For Human Genetics Tuebingen Variant Classification Criteria Version 2. Collection method: clinical testing. Allele origin: germline. Affected: yes. Observed: 1 variant allele.
Comment: TGFBI: BS1

Blueprint Genetics
Classification: Likely benign. Last evaluated: 2024-09-06. Review status: criteria provided, single submitter. Criteria: ACMG Guidelines, 2015. Collection method: clinical testing. Allele origin: germline.

Labcorp Genetics (formerly Invitae), Labcorp
Classification: Likely pathogenic. Last evaluated: 2021-09-30. Review status: criteria provided, single submitter. Criteria: Invitae Variant Classification Sherloc (09022015). Collection method: clinical testing. Allele origin: germline.
Comment: This sequence change replaces proline with threonine at codon 501 of the TGFBI protein (p.Pro501Thr). The proline residue is highly conserved and there is a small physicochemical difference between proline and threonine. This variant is present in population databases (rs121909212, ExAC 0.4%). This variant has been observed in individual(s) with lattice corneal dystrophy type IIIA, often with very late onset (PMID: 9497262, 10832717, 11024425, 21462384, 23884333). It has also been observed to segregate with disease in related individuals. ClinVar contains an entry for this variant (Variation ID: 7871). Algorithms developed to predict the effect of missense changes on protein structure and function (SIFT, PolyPhen-2, Align-GVGD) all suggest that this variant is likely to be disruptive. In summary, the currently available evidence indicates that the variant is pathogenic, but additional data are needed to prove that conclusively. Therefore, this variant has been classified as Likely Pathogenic.

Illumina Laboratory Services, Illumina
Classification: Likely pathogenic for Corneal dystrophy. Last evaluated: 2017-04-28. Review status: criteria provided, single submitter. Criteria: ICSL Variant Classification Criteria 09 May 2019. Collection method: clinical testing. Allele origin: germline.
Comment: The TGFBI c.1501C>A (p.Pro501Thr) missense variant has been reported in a heterozygous state in a total of 21 individuals with lattice corneal dystrophy type IIIA, a late-onset condition which manifests after the seventh decade of life (Yamamoto et al. 1998; Tsujikawa et al. 2002; Yu et al. 2006; Long et al. 2011; Kojima et al. 2013). Nine of these individuals were from three families (Yamamoto et al. 1998). The p.Pro501Thr variant is described as a founder variant in the Japanese and Chinese populations (Tsujikawa et al. 2002; Yu et al. 2006). This variant was also detected in a heterozygous state in three additional individuals, two with Fuchs endothelial corneal dystrophy and one with Thiel-Behnke corneal dystrophy (Chae et al. 2016). The p.Pro501Thr variant was also present in five unaffected individuals in a heterozygous state, which the authors suggest may be attributed to the late-onset of the disease or due to reduced penetrance (Ha et al. 2000; Chae et al. 2016). The p.Pro501Thr variant was absent from six unaffected family members and at least 150 control individuals (Yamamoto et al. 1998; Tsujikawa et al. 2002), but is reported at a frequency of 0.00404 in the East Asian population of the Exome Aggregation Consortium. In addition, there is one individual with the variant in a homozygous state in the Genome Aggregation Database. Based on collective evidence, the p.Pro501Thr variant is classified as likely pathogenic for autosomal dominant corneal dystrophy.

Juno Genomics, Hangzhou Juno Genomics, Inc
Classification: Uncertain significance for Corneal dystrophy, lattice type 3A. Review status: criteria provided, single submitter. Criteria: ACMG Guidelines, 2015. Collection method: clinical testing. Allele origin: germline.
Comment: Allele frequency is greater than expected for disorder.;The prevalence of the variant in affected individuals is significantly increased compared to the prevalence in controls.;Co-segregation with disease in multiple affected family members.;Multiple lines of computational evidence support a deleterious effect on the gene or gene product.

Gene Friend Way, National Innovation Center
Classification: Likely pathogenic for Type 2 diabetes mellitus. Last evaluated: 2025-01-01. Review status: no assertion criteria provided. Collection method: clinical testing. Allele origin: unknown. Affected: yes. Observed: 1 variant allele. Not counted in ClinVar's aggregate classification.
Comment: In silico analysis suggest that this variant is likely to be disruptive. TGFBI has been identified as a diabetes-risk gene (PMID: 24728038).

OMIM
Classification: Pathogenic for CORNEAL DYSTROPHY, LATTICE TYPE IIIA. Last evaluated: 2002-11-15. Review status: no assertion criteria provided. Collection method: literature only. Allele origin: germline. Not counted in ClinVar's aggregate classification.

Mendelics
Classification: Uncertain significance. Last evaluated: 2022-05-04. Review status: flagged submission. Criteria: Mendelics Assertion Criteria 2019. Collection method: clinical testing. Allele origin: germline. Not counted in ClinVar's aggregate classification.
ClinVar note: Reason: Outlier claim with insufficient supporting evidence

Literature cited by the submitters: PubMed 9497262 (cited by 3 submitters); PubMed 10832717 (cited by Labcorp Genetics (formerly Invitae), Labcorp); PubMed 11024425 (cited by Labcorp Genetics (formerly Invitae), Labcorp); PubMed 21462384 (cited by Labcorp Genetics (formerly Invitae), Labcorp and Illumina Laboratory Services, Illumina); PubMed 23884333 (cited by Labcorp Genetics (formerly Invitae), Labcorp and Illumina Laboratory Services, Illumina); PubMed 16809844 (cited by Illumina Laboratory Services, Illumina); PubMed 12400061 (cited by Illumina Laboratory Services, Illumina and OMIM); PubMed 11004271 (cited by Illumina Laboratory Services, Illumina); PubMed 26748743 (cited by Illumina Laboratory Services, Illumina); PubMed 24728038 (cited by Gene Friend Way, National Innovation Center).